The following is an entry in ClinVar:

NM_003743.5(NCOA1):c.3931G>A (p.Val1311Ile)

Gene: NCOA1 (nuclear receptor coactivator 1; plus strand). Cytogenetic location: 2p23.3.
Variant type: single nucleotide variant.
Coding change: c.3931G>A on transcript NM_003743.5 (MANE Select); coding-DNA position 3931, G replaced by A.
Protein change: p.Val1311Ile; replaces valine 1311 with isoleucine.
Molecular consequence: missense variant.
Genome position (GRCh38, 1-based): chr2:24,758,022, G>A. VCF-style: chr2-24758022-G-A. GRCh37 (hg19) VCF-style: chr2-24980891-G-A.
Other names: c.3931G>A, p.Val1311Ile (NM_001362950.1, NM_001362952.1, NM_001362954.1 and 3 more transcripts); short protein forms V1311I.
Identifiers: ClinVar variation 3918002 (VCV003918002.2).

ClinVar aggregate classification (germline): Uncertain significance. Review status: criteria provided, multiple submitters, no conflicts (2 of 4 stars). 2 submissions from 2 submitters: Uncertain significance (2). Last evaluated 2026-05-07.

Conditions:
NCOA1-related disorder. Also called: NCOA1-related condition.

gnomAD v4.1: 10 of 1,614,020 alleles (0.00062%); highest among the groups gnomAD compares: Non-Finnish European, 0.00068%; no homozygotes.

Submissions (2):

PreventionGenetics, part of Exact Sciences
Classification: Uncertain significance for NCOA1-related condition. Last evaluated: 2026-05-07. Review status: criteria provided, single submitter. Criteria: ACMG Guidelines, 2015. Collection method: clinical testing. Allele origin: germline.
Comment: The NCOA1 c.3931G>A variant is predicted to result in the amino acid substitution p.Val1311Ile. To our knowledge, this variant has not been reported in the literature. This variant is reported in 0.0065% of alleles in individuals of European (Non-Finnish) descent in gnomAD. At this time, the clinical significance of this variant is uncertain due to the absence of conclusive functional and genetic evidence.

Ambry Genetics
Classification: Uncertain significance. Last evaluated: 2025-05-16. Review status: criteria provided, single submitter. Criteria: Ambry Variant Classification Scheme 2023. Collection method: clinical testing. Allele origin: germline.